The following is an entry in ClinVar:

ClinVar aggregate classification (germline): Pathogenic (1 of 4 stars; one submission).

Conditions:
Hirschsprung disease, susceptibility to, 1 (HSCR1). Also called: RET-Related Hirschsprung Disease. Identifiers: Orphanet 388, MedGen C3888239, MONDO:0007723, OMIM 142623.

gnomAD v4.1: 1 of 1,606,168 alleles (0.000062%); no homozygotes.

Submission:

Rady Children's Institute for Genomic Medicine, Rady Children's Hospital San Diego
Classification: Pathogenic for HIRSCHSPRUNG DISEASE, SUSCEPTIBILITY TO, 1. Last evaluated: 2018-09-27. Review status: criteria provided, single submitter. Criteria: ACMG Guidelines, 2015. Collection method: clinical testing. Allele origin: germline. Affected: yes. Observed: 1 variant allele.
Comment: This nonsense variant is found in exon 4 of 20 is predicted to result in loss of normal protein function. This variant has not been previously reported or functionally characterized in the literature to our knowledge, however numerous pathogenic nonsense variants downstream of the p.Glu238Ter variant are present in the Human Gene Mutation Database (HGMD). It is absent from the ExAC and gnomAD population databases and thus is presumed to be rare. Based on the available evidence, the c.712G>T (p.Glu238Ter )variant is classified as pathogenic.

NM_020975.6(RET):c.712G>T (p.Glu238Ter)

Gene: RET (ret proto-oncogene; plus strand). Cytogenetic location: 10q11.21.
Variant type: single nucleotide variant.
Coding change: c.712G>T on transcript NM_020975.6 (MANE Select); coding-DNA position 712, G replaced by T.
Protein change: p.Glu238Ter; replaces glutamic acid 238 with a stop codon.
Molecular consequence: nonsense.
Genome position (GRCh38, 1-based): chr10:43,105,038, G>T. VCF-style: chr10-43105038-G-T. GRCh37 (hg19) VCF-style: chr10-43600486-G-T.
Other names: c.712G>T, p.Glu238Ter (NM_000323.2, NM_001406743.1, NM_001406744.1 and 8 more transcripts); c.-51G>T (NM_001355216.2); c.583G>T, p.Glu195Ter (NM_001406761.1, NM_001406762.1, NM_001406764.1 and 2 more transcripts); c.424G>T, p.Glu142Ter (NM_001406766.1, NM_001406767.1, NM_001406770.1); short protein forms E238*, E142*, E195*.
Identifiers: ClinVar variation 692052 (VCV000692052.3), dbSNP rs1588866040, ClinGen allele CA376544690.